The following is an entry in ClinVar:

ClinVar aggregate classification (germline): Conflicting classifications of pathogenicity. Review status: criteria provided, conflicting classifications (1 of 4 stars). 4 submissions from 4 submitters: Uncertain significance (3); Likely benign (1). Last evaluated 2026-02-24.

Conditions:
Malignant hyperthermia, susceptibility to, 5 (MHS5). Also called: CACNA1S-Related Malignant Hyperthermia Susceptibility. Identifiers: Orphanet 423, MedGen C1866077, MONDO:0011163, OMIM 601887.
Hypokalemic periodic paralysis, type 1. Also called: HypoPP; Hypokalemic Periodic Paralysis Type 1 (AD). Identifiers: Orphanet 681, MedGen C3714580, MONDO:0042979, OMIM 170400.
Inborn genetic diseases. Identifiers: MedGen C0950123, MeSH D030342.

Allele frequency attached by ClinVar (database versions not stated): ExAC 0.00001; TOPMed 0.00002; gnomAD 0.00003; ESP Exome Variant Server 0.00008.
gnomAD v4.1: 35 of 1,612,942 alleles (0.0022%); highest among the groups gnomAD compares: Non-Finnish European, 0.00017%; no homozygotes.

Submissions (4):

GeneDx
Classification: Uncertain significance. Last evaluated: 2026-02-24. Review status: criteria provided, single submitter. Criteria: GeneDx Variant Classification Process June 2021. Collection method: clinical testing. Allele origin: germline.
Comment: In silico analysis supports that this missense variant has a deleterious effect on protein structure/function; Has not been previously published as pathogenic or benign to our knowledge

Labcorp Genetics (formerly Invitae), Labcorp
Classification: Likely benign for Hypokalemic periodic paralysis, type 1; Malignant hyperthermia, susceptibility to, 5. Last evaluated: 2026-01-12. Review status: criteria provided, single submitter. Criteria: Invitae Variant Classification Sherloc (09022015). Collection method: clinical testing. Allele origin: germline.

Color Diagnostics, LLC DBA Color Health
Classification: Uncertain significance for Malignant hyperthermia, susceptibility to, 5. Last evaluated: 2025-06-09. Review status: criteria provided, single submitter. Criteria: ACMG Guidelines, 2015. Collection method: clinical testing. Allele origin: germline.
Comment: This missense variant replaces isoleucine with asparagine at codon 47 of the CACNA1S protein. Computational prediction suggests that this variant may have deleterious impact on protein structure and function. To our knowledge, functional studies have not been reported for this variant. This variant has not been reported in individuals affected with CACNA1S-related disorders in the literature. This variant has been identified in 6/251378 chromosomes in the general population by the Genome Aggregation Database (gnomAD). The available evidence is insufficient to determine the role of this variant in disease conclusively. Therefore, this variant is classified as a Variant of Uncertain Significance.

Ambry Genetics
Classification: Uncertain significance for Inborn genetic diseases. Last evaluated: 2025-05-06. Review status: criteria provided, single submitter. Criteria: Ambry Variant Classification Scheme 2023. Collection method: clinical testing. Allele origin: germline.

NM_000069.3(CACNA1S):c.140T>A (p.Ile47Asn)

Gene: CACNA1S (calcium voltage-gated channel subunit alpha1 S; minus strand). Cytogenetic location: 1q32.1.
Variant type: single nucleotide variant.
Coding change: c.140T>A on transcript NM_000069.3 (MANE Select); coding-DNA position 140, T replaced by A.
Protein change: p.Ile47Asn; replaces isoleucine 47 with asparagine.
Molecular consequence: missense variant.
Genome position (GRCh38, 1-based): chr1:201,112,200, A>T on the plus strand (T>A on the coding strand, the complement: CACNA1S is on the minus strand). VCF-style: chr1-201112200-A-T. GRCh37 (hg19) VCF-style: chr1-201081328-A-T.
Other names: short protein forms I47N.
Identifiers: ClinVar variation 969877 (VCV000969877.13), dbSNP rs372497364, ClinGen allele CA078231.